The following is an entry in ClinVar:

ClinVar aggregate classification (germline): Uncertain significance (1 of 4 stars; one submission).

Conditions:
SMARCC1-related disorder. Also called: SMARCC1-related condition.

gnomAD v4.1: 1 of 1,584,722 alleles (0.000063%); highest among the groups gnomAD compares: Non-Finnish European, 0.000086%; no homozygotes.

Submission:

PreventionGenetics, part of Exact Sciences
Classification: Uncertain significance for SMARCC1-related condition. Last evaluated: 2025-03-27. Review status: criteria provided, single submitter. Criteria: ACMG Guidelines, 2015. Collection method: clinical testing. Allele origin: germline.
Comment: The SMARCC1 c.1402C>G variant is predicted to result in the amino acid substitution p.Arg468Gly. To our knowledge, this variant has not been reported in the literature. This variant is reported in 0.0066% of alleles in individuals of European (Non-Finnish) descent in gnomAD. At this time, the clinical significance of this variant is uncertain due to the absence of conclusive functional and genetic evidence.

NM_003074.4(SMARCC1):c.1402C>G (p.Arg468Gly)

Gene: SMARCC1 (SWI/SNF related BAF chromatin remodeling complex subunit C1; minus strand). Cytogenetic location: 3p21.31.
Variant type: single nucleotide variant.
Coding change: c.1402C>G on transcript NM_003074.4 (MANE Select); coding-DNA position 1402, C replaced by G.
Protein change: p.Arg468Gly; replaces arginine 468 with glycine.
Molecular consequence: missense variant.
Genome position (GRCh38, 1-based): chr3:47,680,492, G>C on the plus strand (C>G on the coding strand, the complement: SMARCC1 is on the minus strand). VCF-style: chr3-47680492-G-C. GRCh37 (hg19) VCF-style: chr3-47721982-G-C.
Other names: short protein forms R468G.
Identifiers: ClinVar variation 4981824 (VCV004981824.1).